The following is an entry in ClinVar:

ClinVar aggregate classification (germline): Uncertain significance (1 of 4 stars; one submission).

Allele frequency attached by ClinVar (database versions not stated): gnomAD 0.00003; TOPMed 0.00003; ExAC 0.00007; gnomAD exomes 0.00007; ESP Exome Variant Server 0.00008.
gnomAD v4.1: 106 of 1,613,146 alleles (0.0066%); highest among the groups gnomAD compares: Non-Finnish European, 0.0084%; no homozygotes.

Submission:

Labcorp Genetics (formerly Invitae), Labcorp
Classification: Uncertain significance. Last evaluated: 2021-09-24. Review status: criteria provided, single submitter. Criteria: Invitae Variant Classification Sherloc (09022015). Collection method: clinical testing. Allele origin: germline.
Comment: This sequence change replaces aspartic acid with valine at codon 264 of the HOGA1 protein (p.Asp264Val). The aspartic acid residue is weakly conserved and there is a large physicochemical difference between aspartic acid and valine. This variant is present in population databases (rs201318586, ExAC 0.01%). This variant has not been reported in the literature in individuals with HOGA1-related conditions. Advanced modeling of protein sequence and biophysical properties (such as structural, functional, and spatial information, amino acid conservation, physicochemical variation, residue mobility, and thermodynamic stability) performed at Invitae indicates that this missense variant is expected to disrupt HOGA1 protein function. In summary, the available evidence is currently insufficient to determine the role of this variant in disease. Therefore, it has been classified as a Variant of Uncertain Significance.

NM_138413.4(HOGA1):c.791A>T (p.Asp264Val)

Gene: HOGA1 (4-hydroxy-2-oxoglutarate aldolase 1; plus strand). Cytogenetic location: 10q24.2.
Variant type: single nucleotide variant.
Coding change: c.791A>T on transcript NM_138413.4 (MANE Select); coding-DNA position 791, A replaced by T.
Protein change: p.Asp264Val; replaces aspartic acid 264 with valine.
Molecular consequence: missense variant.
Genome position (GRCh38, 1-based): chr10:97,601,947, A>T. VCF-style: chr10-97601947-A-T. GRCh37 (hg19) VCF-style: chr10-99361704-A-T.
Other names: c.302A>T, p.Asp101Val (NM_001134670.2); short protein forms D264V, D101V.
Identifiers: ClinVar variation 2155965 (VCV002155965.1), dbSNP rs201318586, ClinGen allele CA5634243.